The following is an entry in ClinVar:

ClinVar aggregate classification (germline): Likely benign (1 of 4 stars; one submission).

Allele frequency attached by ClinVar (database versions not stated): gnomAD 0.00006; ExAC 0.00008; TOPMed 0.00008; gnomAD exomes 0.00020.
gnomAD v4.1: 223 of 1,191,636 alleles (0.019%); highest among the groups gnomAD compares: Non-Finnish European, 0.024%; no homozygotes.

Submission:

CeGaT Center for Human Genetics Tuebingen
Classification: Likely benign. Last evaluated: 2022-03-01. Review status: criteria provided, single submitter. Criteria: CeGaT Center For Human Genetics Tuebingen Variant Classification Criteria Version 2. Collection method: clinical testing. Allele origin: germline. Affected: yes. Observed: 1 variant allele.
Comment: ZCCHC18: BP4, BP7

NM_001143978.3(ZCCHC18):c.891C>T (p.Phe297=)

Genes: SLC25A53 (solute carrier family 25 member 53; minus strand), ZCCHC18 (zinc finger CCHC-type containing 18; plus strand). Cytogenetic location: Xq22.2.
Variant type: single nucleotide variant.
Coding change: c.891C>T on transcript NM_001143978.3 (MANE Select); coding-DNA position 891, C replaced by T.
Protein change: p.Phe297=; no amino-acid change (phenylalanine 297 retained).
Molecular consequence: synonymous variant. On other transcripts: intron variant (1).
Genome position (GRCh38, 1-based): chrX:104,115,002, C>T. VCF-style: chrX-104115002-C-T. GRCh37 (hg19) VCF-style: chrX-103359693-C-T.
Other names: c.-31-9714G>A (NM_001012755.5).
Identifiers: ClinVar variation 2661108 (VCV002661108.24), dbSNP rs782503866, ClinGen allele CA10479742.
Genomic context (GRCh38, chrX:104,115,002, plus strand): 5'-GGATGTGATCCTGGTGGTGTCTCTGTACCCTTCACTGACACCTACAGGTGCCCCTCCCTT[C>T]AGAGGAAGAGCCAGACCTCTGGATCAAGTGCTGGTTATTGATTCCCCCAACAATTCTGGG-3'
Protein context (NP_001137450.1, residues 287-307): PSLTPTGAPP[Phe297=]RGRARPLDQV